The following is an entry in ClinVar:

ClinVar aggregate classification (germline): Uncertain significance (1 of 4 stars; one submission).

Conditions:
Inborn genetic diseases. Identifiers: MedGen C0950123, MeSH D030342.

Submission:

Ambry Genetics
Classification: Uncertain significance for Inborn genetic diseases. Last evaluated: 2025-01-25. Review status: criteria provided, single submitter. Criteria: Ambry Variant Classification Scheme 2023. Collection method: clinical testing. Allele origin: germline.
Comment: The p.E1115Q variant (also known as c.3343G>C), located in coding exon 19 of the RECQL4 gene, results from a G to C substitution at nucleotide position 3343. The glutamic acid at codon 1115 is replaced by glutamine, an amino acid with highly similar properties. This amino acid position is conserved. In addition, this alteration is predicted to be tolerated by in silico analysis. Based on the available evidence, the clinical significance of this variant remains unclear.

NM_004260.4(RECQL4):c.3343G>C (p.Glu1115Gln)

Gene: RECQL4 (RecQ like helicase 4; minus strand). Cytogenetic location: 8q24.3.
Variant type: single nucleotide variant.
Coding change: c.3343G>C on transcript NM_004260.4 (MANE Select); coding-DNA position 3343, G replaced by C.
Protein change: p.Glu1115Gln; replaces glutamic acid 1115 with glutamine.
Molecular consequence: missense variant. On other transcripts: non-coding transcript variant (3).
Genome position (GRCh38, 1-based): chr8:144,511,961, C>G on the plus strand (G>C on the coding strand, the complement: RECQL4 is on the minus strand). VCF-style: chr8-144511961-C-G. GRCh37 (hg19) VCF-style: chr8-145737344-C-G.
Other names: c.3049G>C, p.Glu1017Gln (NM_001413017.1); c.3145G>C, p.Glu1049Gln (NM_001413018.1); c.3418G>C, p.Glu1140Gln (NM_001413019.1); c.3247G>C, p.Glu1083Gln (NM_001413020.1); c.2272G>C, p.Glu758Gln (NM_001413021.1, NM_001413022.1, NM_001413024.1 and 4 more transcripts); c.2347G>C, p.Glu783Gln (NM_001413023.1); c.3214G>C, p.Glu1072Gln (NM_001413025.1); c.2206G>C, p.Glu736Gln (NM_001413027.1, NM_001413030.1, NM_001413032.1); and 9 more; short protein forms E1071Q, E1072Q, E1083Q, E1140Q, E626Q, E714Q, E748Q, E1017Q.
Identifiers: ClinVar variation 3788009 (VCV003788009.1).